The following is an entry in ClinVar:

NM_020923.3(ZDBF2):c.3920T>G (p.Ile1307Arg)

Gene: ZDBF2 (zinc finger DBF-type containing 2; plus strand). Cytogenetic location: 2q33.3.
Variant type: single nucleotide variant.
Coding change: c.3920T>G on transcript NM_020923.3 (MANE Select); coding-DNA position 3920, T replaced by G.
Protein change: p.Ile1307Arg; replaces isoleucine 1307 with arginine.
Molecular consequence: missense variant.
Genome position (GRCh38, 1-based): chr2:206,308,448, T>G. VCF-style: chr2-206308448-T-G. GRCh37 (hg19) VCF-style: chr2-207173172-T-G.
Other names: c.3920T>G (NM_020923.1); c.3914T>G, p.Ile1305Arg (NM_001285549.2); c.3920T>G, p.Ile1307Arg (NM_001369654.1); short protein forms I1305R, I1307R.
Identifiers: ClinVar variation 1946436 (VCV001946436.6), dbSNP rs200033729, ClinGen allele CA2072221.

ClinVar aggregate classification (germline): Conflicting classifications of pathogenicity. Review status: criteria provided, conflicting classifications (1 of 4 stars). 2 submissions from 2 submitters: Uncertain significance (1); Likely benign (1). Last evaluated 2025-05-16.

Allele frequency attached by ClinVar (database versions not stated): gnomAD 0.00001; gnomAD exomes 0.00001; TOPMed 0.00002; ExAC 0.00004.

Submissions (2):

Ambry Genetics
Classification: Likely benign. Last evaluated: 2025-05-16. Review status: criteria provided, single submitter. Criteria: Ambry Variant Classification Scheme 2023. Collection method: clinical testing. Allele origin: germline.

Labcorp Genetics (formerly Invitae), Labcorp
Classification: Uncertain significance. Last evaluated: 2023-08-30. Review status: criteria provided, single submitter. Criteria: Invitae Variant Classification Sherloc (09022015). Collection method: clinical testing. Allele origin: germline.
Comment: This variant is present in population databases (rs200033729, gnomAD 0.03%). In summary, the available evidence is currently insufficient to determine the role of this variant in disease. Therefore, it has been classified as a Variant of Uncertain Significance. Algorithms developed to predict the effect of missense changes on protein structure and function output the following: SIFT: "Not Available"; PolyPhen-2: "Benign"; Align-GVGD: "Not Available". The arginine amino acid residue is found in multiple mammalian species, which suggests that this missense change does not adversely affect protein function. ClinVar contains an entry for this variant (Variation ID: 1946436). This variant has not been reported in the literature in individuals affected with ZDBF2-related conditions. This sequence change replaces isoleucine, which is neutral and non-polar, with arginine, which is basic and polar, at codon 1307 of the ZDBF2 protein (p.Ile1307Arg).